The following is an entry in ClinVar:

NM_001009944.3(PKD1):c.6994_7000dup (p.Val2334fs)

Gene: PKD1 (polycystin 1, transient receptor potential channel interacting; minus strand). Cytogenetic location: 16p13.3.
Variant type: Microsatellite.
Coding change: c.6994_7000dup on transcript NM_001009944.3 (MANE Select); coding-DNA positions 6994 to 7000, 7 bases duplicated (GCTGGCG; older notation c.6994_7000dupGCTGGCG).
Protein change: p.Val2334fs; shifts the reading frame from valine 2334.
Molecular consequence: frameshift variant.
Genome position (GRCh38, 1-based): chr16:2,107,948-2,107,954, CGCCAGC duplicated on the plus strand (GCTGGCG on the coding strand, the reverse complement: PKD1 is on the minus strand); duplicating any 7 consecutive bases within chr16:2,107,948-2,107,964 gives the same sequence; the c. name uses the placement nearest the transcript's 3' end. VCF-style (leftmost placement, unchanged base first): chr16-2107947-A-ACGCCAGC. GRCh37 (hg19) VCF-style: chr16-2157948-A-ACGCCAGC.
Other names: c.7000_7001insGCTGGCG (NM_001009944.3); c.6994_7000dup (NM_001009944.2); c.6994_7000dup, p.Val2334fs (NM_000296.4); c.6994_7000dupGCTGGCG (NM_001009944.3); short protein forms V2334fs.
Identifiers: ClinVar variation 433976 (VCV000433976.21), dbSNP rs1555453872, ClinGen allele CA645373043.

ClinVar aggregate classification (germline): Pathogenic. Review status: criteria provided, multiple submitters, no conflicts (2 of 4 stars). 15 submissions from 15 submitters: Pathogenic (14). 1 of the submissions does not count toward it. Last evaluated 2026-05-13.

Conditions:
PKD1-related disorder. Also called: PKD1-related condition.
Polycystic kidney disease, adult type (PKD1). Also called: POLYCYSTIC KIDNEY DISEASE, ADULT, TYPE I; Polycystic Kidney Disease 1, Autosomal Dominant; Polycystic kidney disease 1; Polycystic kidney disease 1, severe; Polycystic Kidney, Autosomal Dominant; POLYCYSTIC KIDNEY DISEASE 1 WITH OR WITHOUT POLYCYSTIC LIVER DISEASE. Identifiers: MedGen C3149841, MONDO:0008263, OMIM 173900.
Autosomal recessive polycystic kidney disease (ARPKD). Also called: AR polycystic kidney disease. Identifiers: Orphanet 731, Orphanet 8378, MedGen C0085548, MeSH D017044, MONDO:0009889.

Submissions (15):

GeneDx
Classification: Pathogenic. Last evaluated: 2026-05-13. Review status: criteria provided, single submitter. Criteria: GeneDx Variant Classification Process June 2021. Collection method: clinical testing. Allele origin: germline.
Comment: Frameshift variant predicted to result in protein truncation or nonsense mediated decay in a gene for which loss of function is a known mechanism of disease; Not observed at significant frequency in large population cohorts (gnomAD); This variant is associated with the following publications: (PMID: 28378423, 33315352, 11115377, 30816285, 34758253, 33437033, 31740684, 38481516, 38527221)

Variantyx, Inc.
Classification: Pathogenic for Polycystic kidney disease, adult type. Last evaluated: 2026-01-14. Review status: criteria provided, single submitter. Criteria: Variantyx Assertion Criteria 2022. Collection method: clinical testing. Allele origin: germline. Inheritance: Autosomal dominant inheritance. Affected: yes.
Comment: This is a frameshift variant in the PKD1 gene (OMIM: 601313). Pathogenic variants in this gene have been associated with autosomal dominant polycystic kidney disease 1. This variant introduces a premature termination codon in exon 18 out of 46 and is expected to result in loss of function, which is a known disease mechanism for PKD1 in this disorder (PMID: 24611717) (PVS1). This variant has been reported in at least 6 unrelated affected individuals (PMID: 11115377, 30816285, 38481516, 33315352) (PS4_Moderate), while it is absent from control populations (PM2). Based on the current evidence, this variant is classified as pathogenic for autosomal dominant polycystic kidney disease 1.

Women's Health and Genetics/Laboratory Corporation of America, LabCorp
Classification: Pathogenic for Polycystic kidney disease, adult type. Last evaluated: 2025-05-01. Review status: criteria provided, single submitter. Criteria: LabCorp Variant Classification Summary - May 2015. Collection method: clinical testing. Allele origin: germline.
Comment: Variant summary: PKD1 c.6994_7000dupGCTGGCG (p.Val2334GlyfsX88) results in a premature termination codon, predicted to cause a truncation of the encoded protein or absence of the protein due to nonsense mediated decay, which are commonly known mechanisms for disease. The variant was absent in 147070 control chromosomes. c.6994_7000dupGCTGGCG has been observed in individual(s) affected with Polycystic Kidney Disease 1 (examples, Demir_2021, Elhassan_2024, Xu_2024). These data indicate that the variant is likely to be associated with disease. To our knowledge, no experimental evidence demonstrating an impact on protein function has been reported. The following publications have been ascertained in the context of this evaluation (PMID: 33315352, 38481516, 38527221). ClinVar contains an entry for this variant (Variation ID: 433976). Based on the evidence outlined above, the variant was classified as pathogenic.

3billion
Classification: Pathogenic for Polycystic kidney disease, adult type. Last evaluated: 2025-03-07. Review status: criteria provided, single submitter. Criteria: ACMG Guidelines, 2015. Collection method: clinical testing. Allele origin: germline. Affected: yes.
Comment: The variant is not observed in the gnomAD v4.1.0 dataset. Predicted Consequence/Location: Frameshift: predicted to result in a loss or disruption of normal protein function through nonsense-mediated decay (NMD) or protein truncation. Multiple pathogenic variants are reported downstream of the variant. The variant has been reported at least twice as pathogenic with clinical assertions and evidence for the classification (ClinVar ID: VCV000433976 / PMID: 11115377). Therefore, this variant is classified as Pathogenic according to the recommendation of ACMG/AMP guideline.

Genomic Medicine Center of Excellence, King Faisal Specialist Hospital and Research Centre
Classification: Pathogenic for Polycystic kidney disease, adult type. Last evaluated: 2024-09-22. Review status: criteria provided, single submitter. Criteria: ACMG Guidelines, 2015. Collection method: clinical testing. Allele origin: germline.

Fulgent Genetics
Classification: Pathogenic for Polycystic kidney disease, adult type. Last evaluated: 2024-06-24. Review status: criteria provided, single submitter. Criteria: ACMG Guidelines, 2015. Collection method: clinical testing. Allele origin: germline.

Blueprint Genetics
Classification: Pathogenic for PKD1-related disorders. Last evaluated: 2023-06-22. Review status: criteria provided, single submitter. Criteria: ACMG Guidelines, 2015. Collection method: clinical testing. Allele origin: germline. Affected: yes. Observed: 3 variant alleles.

Eurofins-Biomnis
Classification: Pathogenic for Polycystic kidney disease, adult type. Last evaluated: 2022-10-24. Review status: criteria provided, single submitter. Criteria: Accession Criteria ClinVar Biomnis. Collection method: clinical testing. Allele origin: germline. Affected: yes. Observed: 1 heterozygote.

Cavalleri Lab, Royal College of Surgeons in Ireland
Classification: Pathogenic for Polycystic kidney disease, adult type. Last evaluated: 2020-02-05. Review status: criteria provided, single submitter. Criteria: ACMG Guidelines, 2015. Collection method: research. Allele origin: unknown. Inheritance: Autosomal dominant inheritance. Affected: yes.
Comment: PVS1, PM2, PP4

Molecular Genetics of Inherited Kidney Disorders Laboratory, Garvan Institute of Medical Research
Classification: Pathogenic. Last evaluated: 2019-01-01. Review status: criteria provided, single submitter. Criteria: ACMG Guidelines, 2015. Collection method: clinical testing. Allele origin: germline. Affected: yes.

Centre for Mendelian Genomics, University Medical Centre Ljubljana
Classification: Pathogenic for Polycystic kidney disease, adult type. Last evaluated: 2016-01-01. Review status: criteria provided, single submitter. Criteria: ACMG Guidelines, 2015. Collection method: clinical testing. Allele origin: unknown. Affected: yes.
Comment: This variant was classified as: Pathogenic.

Department of Pathology and Laboratory Medicine, Sinai Health System
Classification: Pathogenic for Autosomal recessive polycystic kidney disease. Review status: criteria provided, single submitter. Criteria: ACMG Guidelines, 2015. Collection method: clinical testing. Allele origin: germline. Affected: yes. Study: The Canadian Open Genetics Repository (COGR).

Juno Genomics, Hangzhou Juno Genomics, Inc
Classification: Pathogenic for Polycystic kidney disease, adult type. Review status: criteria provided, single submitter. Criteria: ACMG Guidelines, 2015. Collection method: clinical testing. Allele origin: germline. Affected: yes.
Comment: Null variant in a gene where loss of function (LOF) is a known mechanism of disease.;Absent from controls (or at extremely low frequency if recessive) in Genome Aggregation Database, Exome Sequencing Project, 1000 Genomes Project, or Exome Aggregation Consortium.;The prevalence of the variant in affected individuals is significantly increased compared to the prevalence in controls.;Patient's phenotype or family history is highly specific for a disease with a single genetic etiology.

Neuberg Centre For Genomic Medicine, NCGM
Classification: Pathogenic for Polycystic kidney disease, adult type. Review status: criteria provided, single submitter. Criteria: ACMG Guidelines, 2015. Collection method: clinical testing. Allele origin: germline. Inheritance: Autosomal dominant inheritance. Affected: yes.
Comment: The frameshift duplication p.V2334Gfs*88 in PKD1 (NM_001009944.3) has been reported to ClinVar as Pathogenic by multiple laboratories.The p.V2334Gfs*88 variant is novel (not in any individuals) in gnomAD Exomes and is novel (not in any individuals) in 1000 Genomes. This variant is predicted to cause loss of normal protein function through protein truncation. For these reasons, this variant has been classified as Pathogenic.

Genomics England Pilot Project, Genomics England
Classification: Pathogenic for Polycystic kidney disease, adult type. Review status: no assertion criteria provided. Criteria: ACGS Guidelines, 2016. Collection method: clinical testing. Allele origin: germline. Affected: yes. Not counted in ClinVar's aggregate classification.

Literature cited by the submitters: PubMed 24611717 (cited by Variantyx, Inc.); PubMed 11115377 (cited by Variantyx, Inc. and 3billion); PubMed 30816285 (cited by Variantyx, Inc.); PubMed 38481516 (cited by Variantyx, Inc. and Women's Health and Genetics/Laboratory Corporation of America, LabCorp); PubMed 33315352 (cited by Variantyx, Inc. and Women's Health and Genetics/Laboratory Corporation of America, LabCorp); PubMed 38527221 (cited by Women's Health and Genetics/Laboratory Corporation of America, LabCorp).